The following is an entry in ClinVar:

ClinVar aggregate classification (germline): Pathogenic. Review status: criteria provided, multiple submitters, no conflicts (2 of 4 stars). 3 submissions from 3 submitters: Pathogenic (2). 1 of the submissions does not count toward it. Last evaluated 2025-10-27.

Conditions:
Paroxysmal extreme pain disorder (PEXPD). Also called: PAIN, SUBMANDIBULAR, OCULAR, AND RECTAL, WITH FLUSHING; RECTAL PAIN, FAMILIAL; SCN9A Paroxysmal Extreme Pain Disorder (SCN9A-PEPD). Identifiers: Orphanet 46348, MedGen C1833661, MONDO:0008179, OMIM 167400.

Submissions (3):

GeneDx
Classification: Pathogenic. Last evaluated: 2025-10-27. Review status: criteria provided, single submitter. Criteria: GeneDx Variant Classification Process June 2021. Collection method: clinical testing. Allele origin: germline. Affected: yes.
Comment: Published functional studies demonstrate a damaging effect: altered current density with persistent current possibly due to impaired dimerization (PMID: 32663327); Not observed at significant frequency in large population cohorts (gnomAD); In silico analysis supports that this missense variant has a deleterious effect on protein structure/function; This variant is associated with the following publications: (PMID: 18945915, 24311784, 38530842, 30672368, 37555797, 32663327)

Center of Genomic medicine, Geneva, University Hospital of Geneva
Classification: Pathogenic for Paroxysmal extreme pain disorder. Last evaluated: 2017-02-13. Review status: criteria provided, single submitter. Criteria: ACMG Guidelines, 2015. Collection method: clinical testing. Allele origin: de novo. Affected: yes.

Department of Neurology and Geriatrics, Kagoshima University Graduate School of Medical and Dental Sciences
Classification: Pathogenic for Paroxysmal extreme pain disorder. Last evaluated: 2021-11-16. Review status: no assertion criteria provided. Collection method: research. Allele origin: germline. Affected: yes. Not counted in ClinVar's aggregate classification.

NM_001365536.1(SCN9A):c.4928C>A (p.Ala1643Glu)

Genes: SCN1A-AS1 (SCN1A and SCN9A antisense RNA 1; plus strand), SCN9A (sodium voltage-gated channel alpha subunit 9; minus strand). Cytogenetic location: 2q24.3.
Variant type: single nucleotide variant.
Coding change: c.4928C>A on transcript NM_001365536.1 (MANE Select); coding-DNA position 4928, C replaced by A.
Protein change: p.Ala1643Glu; replaces alanine 1643 with glutamic acid.
Molecular consequence: missense variant. On other transcripts: non-coding transcript variant (1).
Genome position (GRCh38, 1-based): chr2:166,199,711, G>T on the plus strand (C>A on the coding strand, the complement: SCN9A is on the minus strand). VCF-style: chr2-166199711-G-T. GRCh37 (hg19) VCF-style: chr2-167056221-G-T.
Other names: c.4895C>A, p.Ala1632Glu (NM_002977.4); short protein forms A1632E, A1643E.
Identifiers: ClinVar variation 245903 (VCV000245903.5), dbSNP rs879253994, ClinGen allele CA10584162.